The following is an entry in ClinVar:

NM_000080.4(CHRNE):c.1181_1187dup (p.Glu396delinsAspValTer)

Genes: CHRNE (cholinergic receptor nicotinic epsilon subunit; minus strand), LOC130060040 (ATAC-STARR-seq lymphoblastoid silent region 8049; plus strand). Cytogenetic location: 17p13.2.
Variant type: Duplication.
Coding change: c.1181_1187dup on transcript NM_000080.4 (MANE Select); coding-DNA positions 1181 to 1187, 7 bases duplicated (TGTTTGA; older notation c.1181_1187dupTGTTTGA).
Protein change: p.Glu396delinsAspValTer.
Molecular consequence: nonsense.
Genome position (GRCh38, 1-based): chr17:4,899,230-4,899,236, TCAAACA duplicated on the plus strand (TGTTTGA on the coding strand, the reverse complement: CHRNE is on the minus strand). VCF-style (leftmost placement, unchanged base first): chr17-4899229-C-CTCAAACA. GRCh37 (hg19) VCF-style: chr17-4802524-C-CTCAAACA.
Other names: c.1181_1187dup, p.Glu396delinsAspValTer (LRG_1254t1); c.1181_1187dupTGTTTGA (NM_000080.3).
Identifiers: ClinVar variation 465857 (VCV000465857.16), dbSNP rs1423995073, ClinGen allele CA624855850.

ClinVar aggregate classification (germline): Pathogenic/Likely pathogenic. Review status: criteria provided, multiple submitters, no conflicts (2 of 4 stars). 6 submissions from 6 submitters: Pathogenic (5); Likely pathogenic (1). Last evaluated 2025-08-20.

Conditions:
Congenital myasthenic syndrome 4C (CMS4C). Also called: Myasthenic syndrome, congenital, associated with acetylcholine receptor deficiency. Identifiers: Orphanet 590, MedGen C1837091, MONDO:0012157, OMIM 608931.
Congenital myasthenic syndrome (CMS). Also called: Congenital Myasthenic Syndromes. Identifiers: Orphanet 590, MedGen C0751882, MeSH D020294, MONDO:0018940.
CHRNE-related disorder. Also called: CHRNE-related condition.
Congenital myasthenic syndrome 4A. Also called: CONGENITAL MYASTHENIC SYNDROME TYPE Ia1; MYASTHENIC SYNDROME, CONGENITAL, 4A, SLOW-CHANNEL, AUTOSOMAL RECESSIVE; Myasthenic syndrome, congenital, 4a, slow-channel. Identifiers: Orphanet 590, MedGen C4225413, MONDO:0011600, OMIM 605809.

Allele frequency attached by ClinVar (database versions not stated): gnomAD exomes below 0.00001.

Submissions (6):

Myriad Genetics, Inc.
Classification: Pathogenic for Congenital myasthenic syndrome. Last evaluated: 2025-08-20. Review status: criteria provided, single submitter. Criteria: Myriad Autosomal Dominant, Autosomal Recessive and X-Linked Classification Criteria (2023). Collection method: clinical testing. Allele origin: unknown.
Comment: NM_000080.3(CHRNE):c.1181_1187dup7(E396Dfs*3) is expected to be pathogenic in the context of congenital myasthenic syndrome, CHRNE-related. This variant is predicted to lead to an abnormal or absent protein product due to the creation of a premature termination codon in CHRNE, a gene where loss-of-function variants are known to be pathogenic. Please note: this variant was assessed in the context of healthy population screening.

Baylor Genetics
Classification: Pathogenic for Congenital myasthenic syndrome 4A. Last evaluated: 2024-01-24. Review status: criteria provided, single submitter. Criteria: ACMG Guidelines, 2015. Collection method: clinical testing. Allele origin: unknown.

Labcorp Genetics (formerly Invitae), Labcorp
Classification: Pathogenic for Congenital myasthenic syndrome 4A. Last evaluated: 2023-12-05. Review status: criteria provided, single submitter. Criteria: Invitae Variant Classification Sherloc (09022015). Collection method: clinical testing. Allele origin: germline.
Comment: This sequence change creates a premature translational stop signal (p.Glu396Aspfs*3) in the CHRNE gene. It is expected to result in an absent or disrupted protein product. Loss-of-function variants in CHRNE are known to be pathogenic (PMID: 22678886). This variant is present in population databases (no rsID available, gnomAD 0.003%). This premature translational stop signal has been observed in individual(s) with autosomal recessive congenital myasthenic syndrome (PMID: 28024842). ClinVar contains an entry for this variant (Variation ID: 465857). For these reasons, this variant has been classified as Pathogenic.

Institute of Human Genetics Munich, TUM University Hospital
Classification: Pathogenic for Congenital myasthenic syndrome 4C. Last evaluated: 2021-01-29. Review status: criteria provided, single submitter. Criteria: Classification criteria August 2017. Collection method: clinical testing. Allele origin: germline. Inheritance: Autosomal recessive inheritance. Affected: yes. Observed: 1 variant allele.

Blueprint Genetics
Classification: Likely pathogenic for CHRNE-related disorders. Last evaluated: 2020-03-17. Review status: criteria provided, single submitter. Criteria: ACMG Guidelines, 2015. Collection method: clinical testing. Allele origin: germline. Affected: yes. Observed: 1 variant allele.

Revvity Omics, Revvity
Classification: Pathogenic. Last evaluated: 2019-01-11. Review status: criteria provided, single submitter. Criteria: ACMG Guidelines, 2015. Collection method: clinical testing. Allele origin: germline.

Literature cited by the submitters: PubMed 22678886 (cited by Labcorp Genetics (formerly Invitae), Labcorp); PubMed 28024842 (cited by Labcorp Genetics (formerly Invitae), Labcorp).